The following is an entry in ClinVar:

ClinVar aggregate classification (germline): Likely benign. Review status: criteria provided, multiple submitters, no conflicts (2 of 4 stars). 2 submissions from 2 submitters: Likely benign (2). Last evaluated 2025-07-07.

Allele frequency attached by ClinVar (database versions not stated): ESP Exome Variant Server 0.00008; TOPMed 0.00009; gnomAD 0.00010 and 0.00011; ExAC 0.00011; gnomAD exomes 0.00012 and 0.00019; 1000 Genomes Project 30x 0.00016; 1000 Genomes Project 0.00020.
gnomAD v4.1: 291 of 1,612,064 alleles (0.018%); highest among the groups gnomAD compares: Non-Finnish European, 0.023%; no homozygotes.

Submissions (2):

Labcorp Genetics (formerly Invitae), Labcorp
Classification: Likely benign. Last evaluated: 2025-07-07. Review status: criteria provided, single submitter. Criteria: Invitae Variant Classification Sherloc (09022015). Collection method: clinical testing. Allele origin: germline.

CeGaT Center for Human Genetics Tuebingen
Classification: Likely benign. Last evaluated: 2024-07-01. Review status: criteria provided, single submitter. Criteria: CeGaT Center For Human Genetics Tuebingen Variant Classification Criteria Version 2. Collection method: clinical testing. Allele origin: germline. Affected: yes. Observed: 2 variant alleles.
Comment: PACS2: BP4, BP7

NM_001100913.3(PACS2):c.1446C>T (p.Asn482=)

Gene: PACS2 (phosphofurin acidic cluster sorting protein 2; plus strand). Cytogenetic location: 14q32.33.
Variant type: single nucleotide variant.
Coding change: c.1446C>T on transcript NM_001100913.3 (MANE Select); coding-DNA position 1446, C replaced by T.
Protein change: p.Asn482=; no amino-acid change (asparagine 482 retained).
Molecular consequence: synonymous variant.
Genome position (GRCh38, 1-based): chr14:105,382,509, C>T. VCF-style: chr14-105382509-C-T. GRCh37 (hg19) VCF-style: chr14-105848846-C-T.
Other names: c.1209C>T, p.Asn403= (NM_001243127.3); c.1434C>T, p.Asn478= (NM_015197.4).
Identifiers: ClinVar variation 1633374 (VCV001633374.30), dbSNP rs142273070, ClinGen allele CA7388823.